The following is an entry in ClinVar:

ClinVar aggregate classification (germline): Likely pathogenic. Review status: reviewed by expert panel (3 of 4 stars). 3 submissions from 3 submitters: Likely pathogenic (1). 2 of the submissions do not count toward it. Last evaluated 2026-11-20.

Conditions:
RPGR-related retinopathy. Also called: RPGR retinopathy. Identifiers: MedGen CN305589, MONDO:0100437.
Primary ciliary dyskinesia. Also called: Ciliary dyskinesia. Identifiers: Orphanet 244, MedGen C0008780, MONDO:0016575, HP:0012265.
Retinitis pigmentosa 3. Also called: CHOROIDORETINAL DEGENERATION WITH RETINAL REFLEX IN HETEROZYGOUS WOMEN. Identifiers: Orphanet 791, MedGen C1845667, MONDO:0010227, OMIM 300029.

Submissions (3):

ClinGen X-linked Inherited Retinal Disease Variant Curation Expert Panel, ClinGen
Classification: Likely pathogenic for RPGR-related retinopathy. Last evaluated: 2026-11-20. Review status: reviewed by expert panel. Criteria: ClinGen X LinkedIRD ACMG Specifications RPGR V1.0.0. Collection method: curation. Allele origin: germline. Inheritance: X-linked inheritance.
Comment: The NM_001034853.2(RPGR):c.2470_2471del (p.Gly824ArgfsTer10) variant is a frameshift variant due to a deletion of two nucleotides, introduces a premature stop codon after 814 amino acids, and causes a truncated protein. This variant is absent from gnomAD v4.1.2 (PM2_Supporting). This is a frameshift variant that introduces a premature stop codon between amino acids 1 and 1132 that is predicted to either trigger nonsense-mediated decay or to disrupt a critical C-terminal region required for proper glutamylation of RPGR (PVS1, PMID: 36445968). The variant has been reported to segregate with retinal dystrophy through an unaffected mother and affected son from 1 family, so PP1 is not met (PMID: 32679846). This variant has been reported in at least 2 probands meeting the PS4 requirement of having some functional vision impairment by age 30 and/or decreased or absent ERG responses, or a female with functional visual abnormality and documentation of a male relative affected with retinitis pigmentosa (PMID: 32679846). The proband's ERG responses were not reported, so the PP4 code was unmet. The relationship between the two probands was not discussed, so the PS4 criterion was not met. In summary, this variant is classified as Likely Pathogenic for RPGR-related retinopathy based on the ClinGen X-linked Inherited Retinal Disease Expert Panel Specifications to the ACMG/AMP Variant Interpretation Guidelines for RPGR, Version 1.0.0, using the following evidence codes: PVS1, PM2_Supporting.

Labcorp Genetics (formerly Invitae), Labcorp
Classification: Pathogenic for Primary ciliary dyskinesia. Last evaluated: 2025-04-21. Review status: criteria provided, single submitter. Criteria: Invitae Variant Classification Sherloc (09022015). Collection method: clinical testing. Allele origin: germline. Not counted in ClinVar's aggregate classification.
Comment: This sequence change creates a premature translational stop signal (p.Gly824Argfs*10) in the RPGR (ORF15) gene. While this is not anticipated to result in nonsense mediated decay, it is expected to disrupt the last 329 amino acid(s) of the RPGR (ORF15) protein. This variant is not present in population databases (gnomAD no frequency). This premature translational stop signal has been observed in individual(s) with inherited retinal disorders (PMID: 32679846). ClinVar contains an entry for this variant (Variation ID: 989391). This variant disrupts a region of the RPGR (ORF15) protein in which other variant(s) (p.Asn1132Thrfs*20) have been determined to be pathogenic (internal data). This suggests that this is a clinically significant region of the protein, and that variants that disrupt it are likely to be disease-causing. For these reasons, this variant has been classified as Pathogenic.

Institute of Medical Molecular Genetics, University of Zurich
Classification: Pathogenic for Retinitis pigmentosa 3. Last evaluated: 2020-12-21. Review status: criteria provided, single submitter. Criteria: Maggi J et al. (Genes (Basel) 2020). Collection method: research. Allele origin: germline. Affected: yes. Not counted in ClinVar's aggregate classification.

Literature cited by the submitters: PubMed 32679846 (cited by Labcorp Genetics (formerly Invitae), Labcorp).

NM_001034853.2(RPGR):c.2470_2471del (p.Gly824fs)

Gene: RPGR (retinitis pigmentosa GTPase regulator; minus strand). Cytogenetic location: Xp11.4.
Variant type: Deletion.
Coding change: c.2470_2471del on transcript NM_001034853.2 (MANE Select); coding-DNA positions 2470 to 2471, 2 bases deleted (GG; older notation c.2470_2471delGG).
Protein change: p.Gly824fs; shifts the reading frame from glycine 824.
Molecular consequence: frameshift variant. On other transcripts: intron variant (8).
Genome position (GRCh38, 1-based): chrX:38,286,528-38,286,529, CC deleted on the plus strand (GG on the coding strand, the reverse complement: RPGR is on the minus strand). VCF-style (leftmost placement, unchanged base first): chrX-38286527-TCC-T. GRCh37 (hg19) VCF-style: chrX-38145780-TCC-T.
Other names: NM_001034853.2(RPGR):c.2470_2471del; p.Gly824fs; c.1569+4430_1569+4431del (NM_001367249.1, NM_001367250.1); c.1902+565_1902+566del (NM_001367245.1); c.1386+4430_1386+4431del (NM_001367251.1); c.1719+565_1719+566del (NM_001367246.1); c.1572+4430_1572+4431del (NM_001367247.1); c.1905+565_1905+566del (NM_000328.3); and 1 more; short protein forms G824fs.
Identifiers: ClinVar variation 989391 (VCV000989391.3), dbSNP rs2067179881, ClinGen allele CA1139667423.